The following is an entry in ClinVar:

NM_014762.4(DHCR24):c.997C>T (p.Arg333Cys)

Gene: DHCR24 (24-dehydrocholesterol reductase; minus strand). Cytogenetic location: 1p32.3.
Variant type: single nucleotide variant.
Coding change: c.997C>T on transcript NM_014762.4 (MANE Select); coding-DNA position 997, C replaced by T.
Protein change: p.Arg333Cys; replaces arginine 333 with cysteine.
Molecular consequence: missense variant.
Genome position (GRCh38, 1-based): chr1:54,865,326, G>A on the plus strand (C>T on the coding strand, the complement: DHCR24 is on the minus strand). VCF-style: chr1-54865326-G-A. GRCh37 (hg19) VCF-style: chr1-55330999-G-A.
Other names: short protein forms R333C.
Identifiers: ClinVar variation 2096057 (VCV002096057.4), dbSNP rs1254711590, ClinGen allele CA340454648.

ClinVar aggregate classification (germline): Uncertain significance (1 of 4 stars; one submission).

gnomAD v4.1: 2 of 1,613,834 alleles (0.00012%); highest among the groups gnomAD compares: East Asian, 0.0022%; no homozygotes.

Submission:

Labcorp Genetics (formerly Invitae), Labcorp
Classification: Uncertain significance. Last evaluated: 2024-01-22. Review status: criteria provided, single submitter. Criteria: Invitae Variant Classification Sherloc (09022015). Collection method: clinical testing. Allele origin: germline.
Comment: This sequence change replaces arginine, which is basic and polar, with cysteine, which is neutral and slightly polar, at codon 333 of the DHCR24 protein (p.Arg333Cys). This variant is present in population databases (no rsID available, gnomAD 0.006%). This variant has not been reported in the literature in individuals affected with DHCR24-related conditions. ClinVar contains an entry for this variant (Variation ID: 2096057). Advanced modeling of protein sequence and biophysical properties (such as structural, functional, and spatial information, amino acid conservation, physicochemical variation, residue mobility, and thermodynamic stability) performed at Invitae indicates that this missense variant is expected to disrupt DHCR24 protein function with a positive predictive value of 80%. In summary, the available evidence is currently insufficient to determine the role of this variant in disease. Therefore, it has been classified as a Variant of Uncertain Significance.